The following is an entry in ClinVar:

NM_017739.4(POMGNT1):c.427G>A (p.Val143Met)

Genes: POMGNT1 (protein O-linked mannose N-acetylglucosaminyltransferase 1 (beta 1,2-); minus strand), TSPAN1 (tetraspanin 1; plus strand). Cytogenetic location: 1p34.1.
Variant type: single nucleotide variant.
Coding change: c.427G>A on transcript NM_017739.4 (MANE Select); coding-DNA position 427, G replaced by A.
Protein change: p.Val143Met; replaces valine 143 with methionine.
Molecular consequence: missense variant. On other transcripts: 5 prime UTR variant (1).
Genome position (GRCh38, 1-based): chr1:46,195,918, C>T on the plus strand (G>A on the coding strand, the complement: POMGNT1 is on the minus strand). VCF-style: chr1-46195918-C-T. GRCh37 (hg19) VCF-style: chr1-46661590-C-T.
Other names: p.Val143Met; c.427G>A, p.Val143Met (NM_001243766.2, NM_001410783.1); c.361G>A, p.Val121Met (NM_001290129.3); c.-3G>A (NM_001290130.2); short protein forms V143M, V121M.
Identifiers: ClinVar variation 596428 (VCV000596428.13), dbSNP rs755885722, ClinGen allele CA833726.

ClinVar aggregate classification (germline): Uncertain significance. Review status: criteria provided, multiple submitters, no conflicts (2 of 4 stars). 4 submissions from 4 submitters: Uncertain significance (3). 1 of the submissions does not count toward it. Last evaluated 2025-01-01.

Conditions:
Autosomal recessive limb-girdle muscular dystrophy type 2O. Also called: Limb-Girdle Muscular Dystrophy Type 3C; MUSCULAR DYSTROPHY-DYSTROGLYCANOPATHY, LIMB-GIRDLE, POMGNT1-RELATED; MUSCULAR DYSTROPHY-DYSTROGLYCANOPATHY (LIMB-GIRDLE), TYPE C, 3. Identifiers: Orphanet 206564, MedGen C3150417, MONDO:0013161, OMIM 613157.
Muscular dystrophy-dystroglycanopathy (congenital with impaired intellectual development), type B, 3. Also called: Muscular dystrophy-dystroglycanopathy (congenital with intellectual disability), type B3; MUSCULAR DYSTROPHY, CONGENITAL, POMGNT1-RELATED. Identifiers: MedGen C3150412, MONDO:0013155, OMIM 613151.
Muscle eye brain disease (MEB). Also called: Santavuori congenital muscular dystrophy. Identifiers: Orphanet 588, Orphanet 899, MedGen C0457133, MONDO:0018939.

Allele frequency attached by ClinVar (database versions not stated): ExAC 0.00001; TOPMed 0.00001; gnomAD 0.00002; gnomAD exomes 0.00001.
gnomAD v4.1: 17 of 1,614,034 alleles (0.0011%); highest among the groups gnomAD compares: South Asian, 0.0066%; no homozygotes.

Submissions (4):

Labcorp Genetics (formerly Invitae), Labcorp
Classification: Uncertain significance for Autosomal recessive limb-girdle muscular dystrophy type 2O; Muscular dystrophy-dystroglycanopathy (congenital with impaired intellectual development), type B, 3. Last evaluated: 2025-01-01. Review status: criteria provided, single submitter. Criteria: Invitae Variant Classification Sherloc (09022015). Collection method: clinical testing. Allele origin: germline.
Comment: This sequence change replaces valine, which is neutral and non-polar, with methionine, which is neutral and non-polar, at codon 143 of the POMGNT1 protein (p.Val143Met). This variant is present in population databases (rs755885722, gnomAD 0.003%). This variant has not been reported in the literature in individuals affected with POMGNT1-related conditions. ClinVar contains an entry for this variant (Variation ID: 596428). Invitae Evidence Modeling of protein sequence and biophysical properties (such as structural, functional, and spatial information, amino acid conservation, physicochemical variation, residue mobility, and thermodynamic stability) indicates that this missense variant is not expected to disrupt POMGNT1 protein function with a negative predictive value of 95%. In summary, the available evidence is currently insufficient to determine the role of this variant in disease. Therefore, it has been classified as a Variant of Uncertain Significance.

Mayo Clinic Laboratories, Mayo Clinic
Classification: Uncertain significance. Last evaluated: 2024-03-01. Review status: criteria provided, single submitter. Criteria: ACMG Guidelines, 2015. Collection method: clinical testing. Allele origin: germline. Observed: 1 variant allele.
Comment: PM2_moderate

Eurofins Ntd Llc (ga)
Classification: Uncertain significance. Last evaluated: 2018-03-15. Review status: criteria provided, single submitter. Criteria: EGL ClinVar v180209 classification definitions. Collection method: clinical testing. Allele origin: germline. Observed: 1 variant allele, 1 heterozygote.

Natera, Inc.
Classification: Uncertain significance for Muscle-eye-brain disease. Last evaluated: 2021-03-04. Review status: no assertion criteria provided. Collection method: clinical testing. Allele origin: germline. Not counted in ClinVar's aggregate classification.